The following is an entry in ClinVar:

ClinVar aggregate classification (germline): Likely pathogenic. Review status: criteria provided, multiple submitters, no conflicts (2 of 4 stars). 3 submissions from 3 submitters: Likely pathogenic (3). Last evaluated 2024-03-12.

Conditions:
Congenital myasthenic syndrome 11. Also called: Myasthenic syndrome, congenital, 11, associated with acetylcholine receptor deficiency; MYASTHENIC SYNDROME, CONGENITAL, Ie. Identifiers: Orphanet 590, MedGen C4225367, MONDO:0014588, OMIM 616326.
Fetal akinesia deformation sequence 1 (FADS1). Also called: Fetal akinesia sequence; Pena-Shokeir syndrome type I. Identifiers: Orphanet 994, MedGen C1276035, MONDO:0100101, OMIM 208150, HP:0001989.
Fetal akinesia deformation sequence 2. Identifiers: MedGen C4760576, MONDO:0100102, OMIM 618388.

Submissions (3):

Fulgent Genetics
Classification: Likely pathogenic for Congenital myasthenic syndrome 11; Fetal akinesia deformation sequence 2. Last evaluated: 2024-03-12. Review status: criteria provided, single submitter. Criteria: ACMG Guidelines, 2015. Collection method: clinical testing. Allele origin: germline.

Baylor Genetics
Classification: Likely pathogenic for Fetal akinesia deformation sequence 2. Last evaluated: 2023-05-18. Review status: criteria provided, single submitter. Criteria: ACMG Guidelines, 2015. Collection method: clinical testing. Allele origin: unknown.

Labcorp Genetics (formerly Invitae), Labcorp
Classification: Likely pathogenic for Congenital myasthenic syndrome 11; Fetal akinesia deformation sequence 1. Last evaluated: 2023-01-14. Review status: criteria provided, single submitter. Criteria: Invitae Variant Classification Sherloc (09022015). Collection method: clinical testing. Allele origin: germline.
Comment: In summary, the currently available evidence indicates that the variant is pathogenic, but additional data are needed to prove that conclusively. Therefore, this variant has been classified as Likely Pathogenic. Algorithms developed to predict the effect of sequence changes on RNA splicing suggest that this variant may disrupt the consensus splice site. This variant has not been reported in the literature in individuals affected with RAPSN-related conditions. This variant is not present in population databases (gnomAD no frequency). This variant results in the deletion of part of exon 2 (c.193-5_201del) of the RAPSN gene. It is expected to disrupt RNA splicing. Variants that disrupt the donor or acceptor splice site typically lead to a loss of protein function (PMID: 16199547), and loss-of-function variants in RAPSN are known to be pathogenic (PMID: 17686188).

Literature cited by the submitters: PubMed 16199547 (cited by Labcorp Genetics (formerly Invitae), Labcorp); PubMed 17686188 (cited by Labcorp Genetics (formerly Invitae), Labcorp).

NM_005055.5(RAPSN):c.193-5_201del

Gene: RAPSN (receptor associated protein of the synapse; minus strand). Cytogenetic location: 11p11.2.
Variant type: Deletion.
Coding change: c.193-5_201del on transcript NM_005055.5 (MANE Select); 5 bases into the intron before coding-DNA position 193 through coding-DNA position 201, 14 bases deleted (TGCAGTTCGCTGTG).
Molecular consequence: splice acceptor variant.
Genome position (GRCh38, 1-based): chr11:47,448,142-47,448,155, CACAGCGAACTGCA deleted on the plus strand (TGCAGTTCGCTGTG on the coding strand, the reverse complement: RAPSN is on the minus strand); deleting any 14 consecutive bases within chr11:47,448,142-47,448,163 gives the same sequence; the c. name uses the placement nearest the transcript's 3' end. VCF-style (leftmost placement, unchanged base first): chr11-47448141-CCACAGCGAACTGCA-C. GRCh37 (hg19) VCF-style: chr11-47469693-CCACAGCGAACTGCA-C.
Other names: c.193-5_201del (NM_032645.5).
Identifiers: ClinVar variation 2678225 (VCV002678225.5), dbSNP rs2076425356, ClinGen allele CA1969378718.